The following is an entry in ClinVar:

ClinVar aggregate classification (germline): Benign. Review status: criteria provided, multiple submitters, no conflicts (2 of 4 stars). 2 submissions from 2 submitters: Benign (2). Last evaluated 2018-06-14.

Allele frequency attached by ClinVar (database versions not stated): ESP Exome Variant Server 0.06115; 1000 Genomes Project 30x 0.09119; 1000 Genomes Project 0.09185; TOPMed 0.06980.

Submissions (3):

GeneDx
Classification: Benign. Last evaluated: 2018-06-14. Review status: criteria provided, single submitter. Criteria: GeneDx Variant Classification (06012015). Collection method: clinical testing. Allele origin: germline. Affected: yes.
Comment: This variant is considered likely benign or benign based on one or more of the following criteria: it is a conservative change, it occurs at a poorly conserved position in the protein, it is predicted to be benign by multiple in silico algorithms, and/or has population frequency not consistent with disease.

Breakthrough Genomics
Classification: Benign. Review status: criteria provided, single submitter. Criteria: ACMG Guidelines, 2015. Collection method: not provided. Allele origin: germline. Inheritance: Autosomal recessive inheritance. Affected: yes.

Dr. Peter K. Rogan Lab, Western University
No classification provided (evidence only). Condition: Hepatocellular carcinoma. Review status: no classification provided. Collection method: in vitro. Allele origin: not applicable. Functional consequence: retained intron. Not counted in ClinVar's aggregate classification.

NM_005198.5(CHKB):c.582-24T>G

Genes: CHKB (choline kinase beta; minus strand), CHKB-CPT1B (CHKB-CPT1B readthrough (NMD candidate); minus strand). Cytogenetic location: 22q13.33.
Variant type: single nucleotide variant.
Coding change: c.582-24T>G on transcript NM_005198.5 (MANE Select); 24 bases into the intron before coding-DNA position 582, T replaced by G.
Molecular consequence: intron variant.
Genome position (GRCh38, 1-based): chr22:50,580,684, A>C on the plus strand (T>G on the coding strand, the complement: CHKB is on the minus strand). VCF-style: chr22-50580684-A-C. GRCh37 (hg19) VCF-style: chr22-51019113-A-C.
Other names: NC_000022.10:g.51019113A>C.
Identifiers: ClinVar variation 676728 (VCV000676728.3), dbSNP rs75187587, ClinGen allele CA10323727.